The following is an entry in ClinVar:

ClinVar aggregate classification (germline): Uncertain significance. Review status: criteria provided, multiple submitters, no conflicts (2 of 4 stars). 3 submissions from 3 submitters: Uncertain significance (3). Last evaluated 2023-02-27.

Conditions:
BCKDHA-related disorder. Also called: BCKDHA-related condition.
Maple syrup urine disease (MSUD). Identifiers: Orphanet 511, MedGen C0024776, MeSH D008375, MONDO:0009563. Disease mechanism: loss of function.

Allele frequency attached by ClinVar (database versions not stated): gnomAD exomes below 0.00001.
gnomAD v4.1: 1 of 1,614,170 alleles (0.000062%); highest among the groups gnomAD compares: Non-Finnish European, 0.000085%; no homozygotes.

Submissions (3):

PreventionGenetics, part of Exact Sciences
Classification: Uncertain significance for BCKDHA-related condition. Last evaluated: 2023-02-27. Review status: criteria provided, single submitter. Criteria: ACMG Guidelines, 2015. Collection method: clinical testing. Allele origin: germline.
Comment: The BCKDHA c.842G>T variant is predicted to result in the amino acid substitution p.Gly281Val. To our knowledge, this variant has not been reported in the literature or in a large population database, indicating this variant is rare. At this time, the clinical significance of this variant is uncertain due to the absence of conclusive functional and genetic evidence.

Labcorp Genetics (formerly Invitae), Labcorp
Classification: Uncertain significance for Maple syrup urine disease. Last evaluated: 2022-03-18. Review status: criteria provided, single submitter. Criteria: Invitae Variant Classification Sherloc (09022015). Collection method: clinical testing. Allele origin: germline.
Comment: This sequence change replaces glycine, which is neutral and non-polar, with valine, which is neutral and non-polar, at codon 281 of the BCKDHA protein (p.Gly281Val). This variant is not present in population databases (gnomAD no frequency). This variant has not been reported in the literature in individuals affected with BCKDHA-related conditions. ClinVar contains an entry for this variant (Variation ID: 329365). Advanced modeling of protein sequence and biophysical properties (such as structural, functional, and spatial information, amino acid conservation, physicochemical variation, residue mobility, and thermodynamic stability) performed at Invitae indicates that this missense variant is expected to disrupt BCKDHA protein function. In summary, the available evidence is currently insufficient to determine the role of this variant in disease. Therefore, it has been classified as a Variant of Uncertain Significance.

Illumina Laboratory Services, Illumina
Classification: Uncertain significance for Maple syrup urine disease type 1A. Last evaluated: 2018-01-13. Review status: criteria provided, single submitter. Criteria: ICSL Variant Classification Criteria 13 December 2019. Collection method: clinical testing. Allele origin: germline.

NM_000709.4(BCKDHA):c.842G>T (p.Gly281Val)

Gene: BCKDHA (branched chain keto acid dehydrogenase E1 subunit alpha; plus strand). Cytogenetic location: 19q13.2.
Variant type: single nucleotide variant.
Coding change: c.842G>T on transcript NM_000709.4 (MANE Select); coding-DNA position 842, G replaced by T.
Protein change: p.Gly281Val; replaces glycine 281 with valine.
Molecular consequence: missense variant.
Genome position (GRCh38, 1-based): chr19:41,422,359, G>T. VCF-style: chr19-41422359-G-T. GRCh37 (hg19) VCF-style: chr19-41928264-G-T.
Other names: c.842G>T, p.Gly281Val (NM_001164783.2); short protein forms G281V.
Identifiers: ClinVar variation 329365 (VCV000329365.7), dbSNP rs886054461, ClinGen allele CA10648755.